The following is an entry in ClinVar:

NM_006904.7(PRKDC):c.3166A>G (p.Thr1056Ala)

Gene: PRKDC (protein kinase, DNA-activated, catalytic subunit; minus strand). Cytogenetic location: 8q11.21.
Variant type: single nucleotide variant.
Coding change: c.3166A>G on transcript NM_006904.7 (MANE Select); coding-DNA position 3166, A replaced by G.
Protein change: p.Thr1056Ala; replaces threonine 1056 with alanine.
Molecular consequence: missense variant.
Genome position (GRCh38, 1-based): chr8:47,902,672, T>C on the plus strand (A>G on the coding strand, the complement: PRKDC is on the minus strand). VCF-style: chr8-47902672-T-C. GRCh37 (hg19) VCF-style: chr8-48815232-T-C.
Other names: c.3166A>G, p.Thr1056Ala (NM_001081640.2); short protein forms T1056A.
Identifiers: ClinVar variation 1728366 (VCV001728366.2), dbSNP rs2551875572, ClinGen allele CA371156886.
Genomic context (GRCh38, chr8:47,902,672, plus strand): 5'-GCCTCTTGAAAGCATTGGGGTGAAGCGCAAGGCTATAAAGTCGCTTGAAAAGCGATTTGG[T>C]GTTTACTGGACTCTTCTCCTGCTGCTGTGGTGTTATTTGCTTAATGGACCATTTAAGGAA-3'
Protein context (NP_008835.5, residues 1046-1066): PQQQEKSPVN[Thr1056Ala]KSLFKRLYSL

ClinVar aggregate classification (germline): Uncertain significance (1 of 4 stars; one submission).

Allele frequency attached by ClinVar (database versions not stated): gnomAD exomes below 0.00001.
gnomAD v4.1: 2 of 1,613,912 alleles (0.00012%); highest among the groups gnomAD compares: Non-Finnish European, 0.00017%; no homozygotes.

Submission:

Ambry Genetics
Classification: Uncertain significance. Last evaluated: 2022-09-26. Review status: criteria provided, single submitter. Criteria: Ambry Variant Classification Scheme 2023. Collection method: clinical testing. Allele origin: germline.
Comment: The p.T1056A variant (also known as c.3166A>G), located in coding exon 27 of the PRKDC gene, results from an A to G substitution at nucleotide position 3166. The threonine at codon 1056 is replaced by alanine, an amino acid with similar properties. This amino acid position is conserved. In addition, this alteration is predicted to be tolerated by in silico analysis. Since supporting evidence is limited at this time, the clinical significance of this alteration remains unclear.